The following is an entry in ClinVar:

ClinVar aggregate classification (germline): Uncertain significance. Review status: criteria provided, multiple submitters, no conflicts (2 of 4 stars). 3 submissions from 3 submitters: Uncertain significance (3). Last evaluated 2025-04-22.

Conditions:
Cardiovascular phenotype. Identifiers: MedGen CN230736.
Arrhythmogenic cardiomyopathy with wooly hair and keratoderma. Also called: Dilated cardiomyopathy with woolly hair and keratoderma; PALMOPLANTAR KERATODERMA WITH LEFT VENTRICULAR CARDIOMYOPATHY AND WOOLLY HAIR; Carvajal syndrome; Arrhythmogenic cardiomyopathy with woolly hair and keratoderma. Identifiers: Orphanet 65282, MedGen C1854063, MONDO:0011581, OMIM 605676.
Arrhythmogenic right ventricular dysplasia 8 (ARVD8). Also called: Arrhythmogenic Right Ventricular Dysplasia/Cardiomyopathy 8; ARRHYTHMOGENIC RIGHT VENTRICULAR DYSPLASIA, FAMILIAL, 8; ARRHYTHMOGENIC RIGHT VENTRICULAR CARDIOMYOPATHY 8. Identifiers: MedGen C1843896, MONDO:0011831, OMIM 607450.
Cardiomyopathy (CMYO). Also called: Cardiomyopathies. Identifiers: Orphanet 167848, MedGen C0878544, MONDO:0004994, HP:0001638. Inheritance: Various modes of inheritance.

Allele frequency attached by ClinVar (database versions not stated): gnomAD exomes below 0.00001; gnomAD 0.00001; TOPMed 0.00001.
gnomAD v4.1: 3 of 1,613,916 alleles (0.00019%); highest among the groups gnomAD compares: African/African-American, 0.0013%; no homozygotes.

Submissions (3):

Labcorp Genetics (formerly Invitae), Labcorp
Classification: Uncertain significance for Arrhythmogenic cardiomyopathy with wooly hair and keratoderma; Arrhythmogenic right ventricular dysplasia 8. Last evaluated: 2025-04-22. Review status: criteria provided, single submitter. Criteria: Invitae Variant Classification Sherloc (09022015). Collection method: clinical testing. Allele origin: germline.
Comment: This sequence change replaces alanine, which is neutral and non-polar, with threonine, which is neutral and polar, at codon 1505 of the DSP protein (p.Ala1505Thr). This variant is not present in population databases (gnomAD no frequency). This variant has not been reported in the literature in individuals affected with DSP-related conditions. ClinVar contains an entry for this variant (Variation ID: 1171054). An algorithm developed to predict the effect of missense changes on protein structure and function outputs the following: PolyPhen-2: "Benign". The threonine amino acid residue is found in multiple mammalian species, which suggests that this missense change does not adversely affect protein function. In summary, the available evidence is currently insufficient to determine the role of this variant in disease. Therefore, it has been classified as a Variant of Uncertain Significance.

Color Diagnostics, LLC DBA Color Health
Classification: Uncertain significance for Cardiomyopathy. Last evaluated: 2024-02-12. Review status: criteria provided, single submitter. Criteria: ACMG Guidelines, 2015. Collection method: clinical testing. Allele origin: germline.
Comment: This missense variant replaces alanine with threonine at codon 1505 of the DSP protein. Computational prediction tools indicate that this variant has a neutral impact on protein structure and function. To our knowledge, functional studies have not been reported for this variant. This variant has been reported in two individuals in one family affected with arrhythmogenic cardiomyopathy; both of these individuals also carried a pathogenic truncation variant in the PKP2 gene that could explain the observed phenotype (PMID: 37510372). This variant has not been identified in the general population by the Genome Aggregation Database (gnomAD). The available evidence is insufficient to determine the role of this variant in disease conclusively. Therefore, this variant is classified as a Variant of Uncertain Significance.

Ambry Genetics
Classification: Uncertain significance for Cardiovascular phenotype. Last evaluated: 2022-04-03. Review status: criteria provided, single submitter. Criteria: Ambry Variant Classification Scheme 2023. Collection method: clinical testing. Allele origin: germline.
Comment: The p.A1505T variant (also known as c.4513G>A), located in coding exon 23 of the DSP gene, results from a G to A substitution at nucleotide position 4513. The alanine at codon 1505 is replaced by threonine, an amino acid with similar properties. This amino acid position is conserved. In addition, this alteration is predicted to be tolerated by in silico analysis. Since supporting evidence is limited at this time, the clinical significance of this alteration remains unclear.

Literature cited by the submitters: PubMed 37510372 (cited by Color Diagnostics, LLC DBA Color Health).

NM_004415.4(DSP):c.4513G>A (p.Ala1505Thr)

Gene: DSP (desmoplakin; plus strand). Cytogenetic location: 6p24.3.
Variant type: single nucleotide variant.
Coding change: c.4513G>A on transcript NM_004415.4 (MANE Select); coding-DNA position 4513, G replaced by A.
Protein change: p.Ala1505Thr; replaces alanine 1505 with threonine.
Molecular consequence: missense variant. On other transcripts: intron variant (2).
Genome position (GRCh38, 1-based): chr6:7,580,703, G>A. VCF-style: chr6-7580703-G-A. GRCh37 (hg19) VCF-style: chr6-7580936-G-A.
Other names: c.4050+463G>A (NM_001319034.2); c.3582+931G>A (NM_001008844.3); short protein forms A1505T.
Identifiers: ClinVar variation 1171054 (VCV001171054.7), dbSNP rs1488770025, ClinGen allele CA362686478.